The following is an entry in ClinVar:

NM_000222.3(KIT):c.2086G>T (p.Asp696Tyr)

Gene: KIT (KIT proto-oncogene, receptor tyrosine kinase; plus strand). Cytogenetic location: 4q12.
Variant type: single nucleotide variant.
Coding change: c.2086G>T on transcript NM_000222.3 (MANE Select); coding-DNA position 2086, G replaced by T.
Protein change: p.Asp696Tyr; replaces aspartic acid 696 with tyrosine.
Molecular consequence: missense variant.
Genome position (GRCh38, 1-based): chr4:54,729,430, G>T. VCF-style: chr4-54729430-G-T. GRCh37 (hg19) VCF-style: chr4-55595596-G-T.
Other names: c.2074G>T, p.Asp692Tyr (NM_001093772.2, NM_001385286.1); c.2089G>T, p.Asp697Tyr (NM_001385284.1, NM_001385290.1); c.2086G>T, p.Asp696Tyr (NM_001385285.1); c.2077G>T, p.Asp693Tyr (NM_001385288.1, NM_001385292.1); short protein forms D693Y, D697Y, D692Y, D696Y.
Identifiers: ClinVar variation 3724744 (VCV003724744.2).
Genomic context (GRCh38, chr4:54,729,430, plus strand): 5'-GGTGATCTTTTGAATTTTTTGAGAAGAAAACGTGATTCATTTATTTGTTCAAAGCAGGAA[G>T]ATCATGCAGAAGCTGCACTTTATAAGAATCTTCTGCATTCAAAGGAGTCTTCCTGGTAAG-3'
Protein context (NP_000213.1, residues 686-706): RDSFICSKQE[Asp696Tyr]HAEAALYKNL

ClinVar aggregate classification (germline): Uncertain significance (1 of 4 stars; one submission).

Conditions:
Gastrointestinal stromal tumor. Also called: Gastrointestinal stromal tumor, somatic; Gastrointestinal stroma tumor. Identifiers: Orphanet 44890, MedGen C0238198, MeSH D046152, MONDO:0011719, OMIM 606764, HP:0100723.

Submission:

Labcorp Genetics (formerly Invitae), Labcorp
Classification: Uncertain significance for Gastrointestinal stromal tumor. Last evaluated: 2024-11-06. Review status: criteria provided, single submitter. Criteria: Invitae Variant Classification Sherloc (09022015). Collection method: clinical testing. Allele origin: germline.
Comment: This sequence change replaces aspartic acid, which is acidic and polar, with tyrosine, which is neutral and polar, at codon 696 of the KIT protein (p.Asp696Tyr). This variant is not present in population databases (gnomAD no frequency). This variant has not been reported in the literature in individuals affected with KIT-related conditions. An algorithm developed to predict the effect of missense changes on protein structure and function (PolyPhen-2) suggests that this variant is likely to be disruptive. In summary, the available evidence is currently insufficient to determine the role of this variant in disease. Therefore, it has been classified as a Variant of Uncertain Significance.